The following is an entry in ClinVar:

NM_000181.4(GUSB):c.581+9C>T

Gene: GUSB (glucuronidase beta; minus strand). Cytogenetic location: 7q11.21.
Variant type: single nucleotide variant.
Coding change: c.581+9C>T on transcript NM_000181.4 (MANE Select); 9 bases into the intron after coding-DNA position 581, C replaced by T.
Molecular consequence: intron variant.
Genome position (GRCh38, 1-based): chr7:65,979,718, G>A on the plus strand (C>T on the coding strand, the complement: GUSB is on the minus strand). VCF-style: chr7-65979718-G-A. GRCh37 (hg19) VCF-style: chr7-65444705-G-A.
Other names: c.67+506C>T (NM_001293105.2); c.12-177C>T (NM_001293104.2); c.474+116C>T (NM_001284290.2).
Identifiers: ClinVar variation 2875241 (VCV002875241.3), dbSNP rs1374269426, ClinGen allele CA575259199.

ClinVar aggregate classification (germline): Uncertain significance (1 of 4 stars; one submission).

Conditions:
Mucopolysaccharidosis type 7 (MPS7). Also called: BETA-GLUCURONIDASE DEFICIENCY; MPS VII; GUSB DEFICIENCY; SLY SYNDROME. Identifiers: Orphanet 584, MedGen C0085132, MONDO:0009662, OMIM 253220.

Allele frequency attached by ClinVar (database versions not stated): gnomAD exomes 0.00001.
gnomAD v4.1: 20 of 1,612,718 alleles (0.0012%); highest among the groups gnomAD compares: Non-Finnish European, 0.0017%; no homozygotes.

Submission:

Labcorp Genetics (formerly Invitae), Labcorp
Classification: Uncertain significance for Mucopolysaccharidosis type 7. Last evaluated: 2023-01-30. Review status: criteria provided, single submitter. Criteria: Invitae Variant Classification Sherloc (09022015). Collection method: clinical testing. Allele origin: germline.
Comment: In summary, the available evidence is currently insufficient to determine the role of this variant in disease. Therefore, it has been classified as a Variant of Uncertain Significance. Algorithms developed to predict the effect of sequence changes on RNA splicing suggest that this variant may create or strengthen a splice site. This variant has not been reported in the literature in individuals affected with GUSB-related conditions. This variant is not present in population databases (gnomAD no frequency). This sequence change falls in intron 3 of the GUSB gene. It does not directly change the encoded amino acid sequence of the GUSB protein.